The following is an entry in ClinVar:

NM_015978.3(TNNI3K):c.248A>G (p.His83Arg)

Genes: FPGT-TNNI3K (FPGT-TNNI3K readthrough; plus strand), TNNI3K (TNNI3 interacting kinase; plus strand). Cytogenetic location: 1p31.1.
Variant type: single nucleotide variant.
Coding change: c.248A>G on transcript NM_015978.3 (MANE Select); coding-DNA position 248, A replaced by G.
Protein change: p.His83Arg; replaces histidine 83 with arginine.
Molecular consequence: missense variant.
Genome position (GRCh38, 1-based): chr1:74,250,684, A>G. VCF-style: chr1-74250684-A-G. GRCh37 (hg19) VCF-style: chr1-74716368-A-G.
Other names: c.551A>G, p.His184Arg (NM_001112808.3, NM_001199327.2); short protein forms H184R, H83R.
Identifiers: ClinVar variation 1360838 (VCV001360838.8), dbSNP rs2100847673, ClinGen allele CA340788097.

ClinVar aggregate classification (germline): Uncertain significance (1 of 4 stars; one submission).

Submission:

Labcorp Genetics (formerly Invitae), Labcorp
Classification: Uncertain significance. Last evaluated: 2021-06-13. Review status: criteria provided, single submitter. Criteria: Invitae Variant Classification Sherloc (09022015). Collection method: clinical testing. Allele origin: germline.
Comment: This variant is not present in population databases (ExAC no frequency). This sequence change replaces histidine with arginine at codon 83 of the TNNI3K protein (p.His83Arg). The histidine residue is highly conserved and there is a small physicochemical difference between histidine and arginine. This variant has not been reported in the literature in individuals with TNNI3K-related conditions. In summary, the available evidence is currently insufficient to determine the role of this variant in disease. Therefore, it has been classified as a Variant of Uncertain Significance. Algorithms developed to predict the effect of missense changes on protein structure and function are either unavailable or do not agree on the potential impact of this missense change (SIFT: "Deleterious"; PolyPhen-2: "Benign"; Align-GVGD: "Class C0").